The following is an entry in ClinVar:

ClinVar aggregate classification (germline): Uncertain significance (1 of 4 stars; one submission).

gnomAD v4.1: 1 of 1,614,154 alleles (0.000062%); highest among the groups gnomAD compares: Admixed American, 0.0017%; no homozygotes.

Submission:

Labcorp Genetics (formerly Invitae), Labcorp
Classification: Uncertain significance. Last evaluated: 2022-07-15. Review status: criteria provided, single submitter. Criteria: Invitae Variant Classification Sherloc (09022015). Collection method: clinical testing. Allele origin: germline.
Comment: This sequence change replaces phenylalanine, which is neutral and non-polar, with cysteine, which is neutral and slightly polar, at codon 752 of the DZIP1L protein (p.Phe752Cys). This variant is not present in population databases (gnomAD no frequency). This variant has not been reported in the literature in individuals affected with DZIP1L-related conditions. Algorithms developed to predict the effect of missense changes on protein structure and function are either unavailable or do not agree on the potential impact of this missense change (SIFT: "Deleterious"; PolyPhen-2: "Possibly Damaging"; Align-GVGD: "Class C0"). In summary, the available evidence is currently insufficient to determine the role of this variant in disease. Therefore, it has been classified as a Variant of Uncertain Significance.

NM_173543.3(DZIP1L):c.2255T>G (p.Phe752Cys)

Gene: DZIP1L (DAZ interacting zinc finger protein 1 like; minus strand). Cytogenetic location: 3q22.3.
Variant type: single nucleotide variant.
Coding change: c.2255T>G on transcript NM_173543.3 (MANE Select); coding-DNA position 2255, T replaced by G.
Protein change: p.Phe752Cys; replaces phenylalanine 752 with cysteine.
Molecular consequence: missense variant.
Genome position (GRCh38, 1-based): chr3:138,062,865, A>C on the plus strand (T>G on the coding strand, the complement: DZIP1L is on the minus strand). VCF-style: chr3-138062865-A-C. GRCh37 (hg19) VCF-style: chr3-137781707-A-C.
Other names: short protein forms F752C.
Identifiers: ClinVar variation 2030511 (VCV002030511.4), dbSNP rs1452277369, ClinGen allele CA354659971.
Genomic context (GRCh38, chr3:138,062,865, plus strand): 5'-TCTGGGGTGAATCACCAGGCAGGGACCCTGGGTTGGCCAGAGCTCTGTGGACCAGTGCCA[A>C]ACTTCTCTGGGAGCTTTGAGCGAGACAAGGGCTTGGGTTTCTCTCTCTGGTCCAGGTCCA-3'
Protein context (NP_775814.2, residues 742-762): PLSRSKLPEK[Phe752Cys]GTGPQSSGQP